The following is an entry in ClinVar:

ClinVar aggregate classification (germline): Uncertain significance (1 of 4 stars; one submission).

gnomAD v4.1: 5 of 1,369,388 alleles (0.00037%); highest among the groups gnomAD compares: Non-Finnish European, 0.00047%; no homozygotes.

Submission:

CeGaT Center for Human Genetics Tuebingen
Classification: Uncertain significance. Last evaluated: 2023-10-01. Review status: criteria provided, single submitter. Criteria: CeGaT Center For Human Genetics Tuebingen Variant Classification Criteria Version 2. Collection method: clinical testing. Allele origin: germline. Affected: yes. Observed: 1 variant allele.
Comment: NBEA: PM2

NM_001385012.1(NBEA):c.25G>T (p.Gly9Cys)

Gene: NBEA (neurobeachin; plus strand). Cytogenetic location: 13q13.3.
Variant type: single nucleotide variant.
Coding change: c.25G>T on transcript NM_001385012.1 (MANE Select); coding-DNA position 25, G replaced by T.
Protein change: p.Gly9Cys; replaces glycine 9 with cysteine.
Molecular consequence: missense variant.
Genome position (GRCh38, 1-based): chr13:34,942,845, G>T. VCF-style: chr13-34942845-G-T. GRCh37 (hg19) VCF-style: chr13-35516982-G-T.
Other names: c.25G>T, p.Gly9Cys (NM_001379245.1, NM_015678.5); short protein forms G9C.
Identifiers: ClinVar variation 2643737 (VCV002643737.24), dbSNP rs2500551877, ClinGen allele CA387831649.
Genomic context (GRCh38, chr13:34,942,845, plus strand): 5'-GCCGCTGCTCTTCCCTTCTCCTCAGGAGGGGGGCCAATGGCTAGCGAGAAGCCGGGCCCG[G>T]GCCCGGGGCTCGAGCCTCAGCCCGTGGGGCTCATTGCCGTCGGGGCCGCTGGCGGAGGCG-3'
Protein context (NP_001371941.1, residues 1-19): MASEKPGP[Gly9Cys]PGLEPQPVGL